The following is an entry in ClinVar:

ClinVar aggregate classification (germline): Uncertain significance. Review status: criteria provided, multiple submitters, no conflicts (2 of 4 stars). 3 submissions from 3 submitters: Uncertain significance (3). Last evaluated 2023-10-11.

Conditions:
Cardiovascular phenotype. Identifiers: MedGen CN230736.

gnomAD v4.1: 29 of 1,507,452 alleles (0.0019%); highest among the groups gnomAD compares: East Asian, 0.0025%; no homozygotes.

Submissions (3):

GeneDx
Classification: Uncertain significance. Last evaluated: 2023-10-11. Review status: criteria provided, single submitter. Criteria: GeneDx Variant Classification Process June 2021. Collection method: clinical testing. Allele origin: germline. Affected: yes.
Comment: Not observed at significant frequency in large population cohorts (gnomAD); In silico analysis supports that this missense variant does not alter protein structure/function; Has not been previously published as pathogenic or benign to our knowledge

Ambry Genetics
Classification: Uncertain significance for Cardiovascular phenotype. Last evaluated: 2022-12-01. Review status: criteria provided, single submitter. Criteria: Ambry Variant Classification Scheme 2023. Collection method: clinical testing. Allele origin: germline.
Comment: The p.A1067T variant (also known as c.3199G>A), located in coding exon 2 of the ZNF469 gene, results from a G to A substitution at nucleotide position 3199. The alanine at codon 1067 is replaced by threonine, an amino acid with similar properties. This amino acid position is conserved. In addition, this alteration is predicted to be tolerated by in silico analysis. Since supporting evidence is limited at this time, the clinical significance of this alteration remains unclear.

Labcorp Genetics (formerly Invitae), Labcorp
Classification: Uncertain significance. Last evaluated: 2022-06-27. Review status: criteria provided, single submitter. Criteria: Invitae Variant Classification Sherloc (09022015). Collection method: clinical testing. Allele origin: germline.
Comment: This sequence change replaces alanine, which is neutral and non-polar, with threonine, which is neutral and polar, at codon 1067 of the ZNF469 protein (p.Ala1067Thr). The frequency data for this variant in the population databases is considered unreliable, as metrics indicate poor data quality at this position in the gnomAD database. This variant has not been reported in the literature in individuals affected with ZNF469-related conditions. ClinVar contains an entry for this variant (Variation ID: 1306166). Algorithms developed to predict the effect of missense changes on protein structure and function output the following: SIFT: "Tolerated"; PolyPhen-2: "Benign"; Align-GVGD: "Class C0". The threonine amino acid residue is found in multiple mammalian species, which suggests that this missense change does not adversely affect protein function. In summary, the available evidence is currently insufficient to determine the role of this variant in disease. Therefore, it has been classified as a Variant of Uncertain Significance.

NM_001367624.2(ZNF469):c.3283G>A (p.Ala1095Thr)

Genes: ZNF469 (zinc finger protein 469; plus strand), LOC130059718 (ATAC-STARR-seq lymphoblastoid silent region 7847; plus strand). Cytogenetic location: 16q24.2.
Variant type: single nucleotide variant.
Coding change: c.3283G>A on transcript NM_001367624.2 (MANE Select); coding-DNA position 3283, G replaced by A.
Protein change: p.Ala1095Thr; replaces alanine 1095 with threonine.
Molecular consequence: missense variant.
Genome position (GRCh38, 1-based): chr16:88,430,753, G>A. VCF-style: chr16-88430753-G-A. GRCh37 (hg19) VCF-style: chr16-88497161-G-A.
Other names: NM_001127464.1:c.3199G>A; short protein forms A1095T.
Identifiers: ClinVar variation 1306166 (VCV001306166.10), dbSNP rs933945553, ClinGen allele CA397079568.
Genomic context (GRCh38, chr16:88,430,753, plus strand): 5'-CTGGCGGCGGGGAGGCCCCGGCCCGGAGCTGAGGACCGCAGGCTCCGCGAGTACGACTTC[G>A]CCTCGGAGTCCGAGGAGGACGAGCAGCCTCCGCCGCGGGGCCCCGGCTTCAGAGGCCGGC-3'
Protein context (NP_001354553.1, residues 1085-1105): EDRRLREYDF[Ala1095Thr]SESEEDEQPP